The following is an entry in ClinVar:

ClinVar aggregate classification (germline): Uncertain significance (1 of 4 stars; one submission).

Submission:

Labcorp Genetics (formerly Invitae), Labcorp
Classification: Uncertain significance. Last evaluated: 2022-09-07. Review status: criteria provided, single submitter. Criteria: Invitae Variant Classification Sherloc (09022015). Collection method: clinical testing. Allele origin: germline.
Comment: ClinVar contains an entry for this variant (Variation ID: 1347017). In summary, the available evidence is currently insufficient to determine the role of this variant in disease. Therefore, it has been classified as a Variant of Uncertain Significance. Advanced modeling of protein sequence and biophysical properties (such as structural, functional, and spatial information, amino acid conservation, physicochemical variation, residue mobility, and thermodynamic stability) performed at Invitae indicates that this missense variant is expected to disrupt CPLANE1 protein function. This variant has not been reported in the literature in individuals affected with CPLANE1-related conditions. This variant is not present in population databases (gnomAD no frequency). This sequence change replaces aspartic acid, which is acidic and polar, with valine, which is neutral and non-polar, at codon 325 of the CPLANE1 protein (p.Asp325Val).

NM_001384732.1(CPLANE1):c.974A>T (p.Asp325Val)

Gene: CPLANE1 (ciliogenesis and planar polarity effector complex subunit 1; minus strand). Cytogenetic location: 5p13.2.
Variant type: single nucleotide variant.
Coding change: c.974A>T on transcript NM_001384732.1 (MANE Select); coding-DNA position 974, A replaced by T.
Protein change: p.Asp325Val; replaces aspartic acid 325 with valine.
Molecular consequence: missense variant.
Genome position (GRCh38, 1-based): chr5:37,231,014, T>A on the plus strand (A>T on the coding strand, the complement: CPLANE1 is on the minus strand). VCF-style: chr5-37231014-T-A. GRCh37 (hg19) VCF-style: chr5-37231116-T-A.
Other names: c.974A>T, p.Asp325Val (NM_023073.4); short protein forms D325V.
Identifiers: ClinVar variation 1347017 (VCV001347017.6), dbSNP rs2150519108, ClinGen allele CA359510701.